The following is an entry in ClinVar:

NM_012154.5(AGO2):c.878C>T (p.Thr293Ile)

Gene: AGO2 (argonaute RISC catalytic component 2; minus strand). Cytogenetic location: 8q24.3.
Variant type: single nucleotide variant.
Coding change: c.878C>T on transcript NM_012154.5 (MANE Select); coding-DNA position 878, C replaced by T.
Protein change: p.Thr293Ile; replaces threonine 293 with isoleucine.
Molecular consequence: missense variant.
Genome position (GRCh38, 1-based): chr8:140,558,485, G>A on the plus strand (C>T on the coding strand, the complement: AGO2 is on the minus strand). VCF-style: chr8-140558485-G-A. GRCh37 (hg19) VCF-style: chr8-141568584-G-A.
Other names: c.878C>T, p.Thr293Ile (NM_001164623.3); short protein forms T293I.
Identifiers: ClinVar variation 3378124 (VCV003378124.1).

ClinVar aggregate classification (germline): Uncertain significance (1 of 4 stars; one submission).

gnomAD v4.1: 3 of 1,614,224 alleles (0.00019%); highest among the groups gnomAD compares: Non-Finnish European, 0.00025%; no homozygotes.

Submission:

GeneDx
Classification: Uncertain significance. Last evaluated: 2024-05-13. Review status: criteria provided, single submitter. Criteria: GeneDx Variant Classification Process June 2021. Collection method: clinical testing. Allele origin: germline. Affected: yes.
Comment: In silico analysis supports that this missense variant has a deleterious effect on protein structure/function; Has not been previously published as pathogenic or benign to our knowledge